The following is an entry in ClinVar:

ClinVar aggregate classification (germline): Likely benign. Review status: criteria provided, multiple submitters, no conflicts (2 of 4 stars). 10 submissions from 10 submitters: Likely benign (10). Last evaluated 2026-01-21.

Conditions:
Classic or attenuated familial adenomatous polyposis. Identifiers: MedGen CN372698, MONDO:0021057.
Hereditary cancer-predisposing syndrome. Also called: Tumor predisposition; Hereditary Cancer Syndrome; Neoplastic Syndromes, Hereditary; Hereditary neoplastic syndrome. Identifiers: Orphanet 140162, MedGen C0027672, MeSH D009386, MONDO:0015356.
Familial adenomatous polyposis 1 (FAP1). Also called: FAMILIAL ADENOMATOUS POLYPOSIS 1, ATTENUATED; POLYPOSIS, ADENOMATOUS INTESTINAL. Identifiers: MedGen C2713442, MONDO:0021056, OMIM 175100. Disease mechanism: loss of function.

Allele frequency attached by ClinVar (database versions not stated): gnomAD exomes 0.00004 and 0.00008; gnomAD 0.00009 and 0.00010; TOPMed 0.00010; ExAC 0.00012.
gnomAD v4.1: 69 of 1,614,052 alleles (0.0043%); highest among the groups gnomAD compares: African/African-American, 0.017%; no homozygotes.

Submissions (10):

Labcorp Genetics (formerly Invitae), Labcorp
Classification: Likely benign for Familial adenomatous polyposis 1. Last evaluated: 2026-01-21. Review status: criteria provided, single submitter. Criteria: Invitae Variant Classification Sherloc (09022015). Collection method: clinical testing. Allele origin: germline.

Myriad Genetics, Inc.
Classification: Likely benign for Familial adenomatous polyposis 1. Last evaluated: 2025-01-29. Review status: criteria provided, single submitter. Criteria: Myriad Autosomal Dominant, Autosomal Recessive and X-Linked Classification Criteria (2023). Collection method: clinical testing. Allele origin: unknown.
Comment: This variant is considered likely benign. This variant has been observed at a population frequency that is significantly greater than expected given the associated disease prevalence and penetrance.

Color Diagnostics, LLC DBA Color Health
Classification: Likely benign for Hereditary cancer-predisposing syndrome. Last evaluated: 2024-09-24. Review status: criteria provided, single submitter. Criteria: ACMG Guidelines, 2015. Collection method: clinical testing. Allele origin: germline.

Blueprint Genetics
Classification: Likely benign. Last evaluated: 2024-05-10. Review status: criteria provided, single submitter. Criteria: ACMG Guidelines, 2015. Collection method: clinical testing. Allele origin: germline.

All of Us Research Program, National Institutes of Health
Classification: Likely benign for Classic or attenuated familial adenomatous polyposis. Last evaluated: 2023-12-13. Review status: criteria provided, single submitter. Criteria: ACMG Guidelines, 2015. Collection method: clinical testing. Allele origin: germline. Inheritance: Autosomal dominant inheritance. Observed: 17 variant alleles, 17 heterozygotes.
Comment: This study involves interpretation of variants in research participants for the purpose of population health screening. Participant phenotype was not available at the time of variant classification. Additional details can be found in publication PMID: 35346344, PMCID: PMC8962531

CeGaT Center for Human Genetics Tuebingen
Classification: Likely benign. Last evaluated: 2022-10-01. Review status: criteria provided, single submitter. Criteria: CeGaT Center For Human Genetics Tuebingen Variant Classification Criteria Version 2. Collection method: clinical testing. Allele origin: germline. Affected: yes. Observed: 1 variant allele.
Comment: APC: BP4

Sema4
Classification: Likely benign for Hereditary cancer-predisposing syndrome. Last evaluated: 2021-05-28. Review status: criteria provided, single submitter. Criteria: Sema4 Curation Guidelines. Collection method: curation. Allele origin: germline.

GeneDx
Classification: Likely benign. Last evaluated: 2020-10-01. Review status: criteria provided, single submitter. Criteria: GeneDx Variant Classification Process June 2021. Collection method: clinical testing. Allele origin: germline. Affected: yes.
Comment: In silico analysis, which includes protein predictors and evolutionary conservation, supports that this variant does not alter protein structure/function; This variant is associated with the following publications: (PMID: 28873162, 30257133)

Ambry Genetics
Classification: Likely benign for Hereditary cancer-predisposing syndrome. Last evaluated: 2019-03-19. Review status: criteria provided, single submitter. Criteria: Ambry Variant Classification Scheme 2023. Collection method: clinical testing. Allele origin: germline.

Women's Health and Genetics/Laboratory Corporation of America, LabCorp
Classification: Likely benign. Last evaluated: 2016-07-01. Review status: criteria provided, single submitter. Criteria: LabCorp Variant Classification Summary - May 2015. Collection method: clinical testing. Allele origin: germline.
Comment: Variant summary: The APC c.4669A>G (p.Ile1557Val) variant involves the alteration of a non-conserved nucleotide, which is not located in any known domain (InterPro). 4/4 in silico tools predict a benign outcome for this variant (SNPs&GO not captured due to low reliability index). This variant was found in 14/120490 control chromosomes, predominantly observed in the European (Non-Finnish) subpopulation at a frequency of 0.0001962 (13/66264). This frequency is about 3 times the estimated maximal expected allele frequency of a pathogenic APC variant (0.0000714), suggesting this is likely a benign polymorphism found primarily in the populations of European (Non-Finnish) origin. The variant of interest has not, to our knowledge, been reported in affected individuals via publications and/or reputable databases/clinical diagnostic laboratories; nor evaluated for functional impact by in vivo/vitro studies. Taken together, this variant is classified as likely benign.

Literature cited by the submitters: PubMed 28873162 (cited by Sema4); PubMed 32980694 (cited by Sema4); PubMed 26378065 (cited by Women's Health and Genetics/Laboratory Corporation of America, LabCorp).

NM_000038.6(APC):c.4669A>G (p.Ile1557Val)

Gene: APC (APC regulator of Wnt signaling pathway; plus strand). Cytogenetic location: 5q22.2.
Variant type: single nucleotide variant.
Coding change: c.4669A>G on transcript NM_000038.6 (MANE Select); coding-DNA position 4669, A replaced by G.
Protein change: p.Ile1557Val; replaces isoleucine 1557 with valine.
Molecular consequence: missense variant.
Genome position (GRCh38, 1-based): chr5:112,840,263, A>G. VCF-style: chr5-112840263-A-G. GRCh37 (hg19) VCF-style: chr5-112175960-A-G.
Other names: c.4669A>G, p.Ile1557Val (NM_001127510.3, NM_001354895.2); c.4615A>G, p.Ile1539Val (NM_001127511.3); c.4723A>G, p.Ile1575Val (NM_001354896.2); c.4699A>G, p.Ile1567Val (NM_001354897.2); c.4594A>G, p.Ile1532Val (NM_001354898.2); c.4585A>G, p.Ile1529Val (NM_001354899.2); c.4546A>G, p.Ile1516Val (NM_001354900.2); c.4492A>G, p.Ile1498Val (NM_001354901.2); and 5 more; short protein forms I1539V, I1557V, I1456V, I1466V, I1567V, I1575V, I1431V, I1529V.
Identifiers: ClinVar variation 245712 (VCV000245712.47), dbSNP rs763578917, ClinGen allele CA039538.